The following is an entry in ClinVar:

ClinVar aggregate classification (germline): Uncertain significance (1 of 4 stars; one submission).

Conditions:
Brachyolmia-amelogenesis imperfecta syndrome. Also called: PLATYSPONDYLY WITH AMELOGENESIS IMPERFECTA; Tooth agenesis, selective, 6; Dental anomalies and short stature. Identifiers: Orphanet 2899, MedGen C1832594, MONDO:0011018, OMIM 601216. Disease mechanism: loss of function.

Submission:

Labcorp Genetics (formerly Invitae), Labcorp
Classification: Uncertain significance for Brachyolmia-amelogenesis imperfecta syndrome. Last evaluated: 2025-05-21. Review status: criteria provided, single submitter. Criteria: Invitae Variant Classification Sherloc (09022015). Collection method: clinical testing. Allele origin: germline.
Comment: This sequence change replaces methionine, which is neutral and non-polar, with valine, which is neutral and non-polar, at codon 118 of the LTBP3 protein (p.Met118Val). This variant is not present in population databases (gnomAD no frequency). This variant has not been reported in the literature in individuals affected with LTBP3-related conditions. An algorithm developed to predict the effect of missense changes on protein structure and function outputs the following: PolyPhen-2: "Benign". The valine amino acid residue is found in multiple mammalian species, which suggests that this missense change does not adversely affect protein function. In summary, the available evidence is currently insufficient to determine the role of this variant in disease. Therefore, it has been classified as a Variant of Uncertain Significance.

NM_001130144.3(LTBP3):c.352A>G (p.Met118Val)

Gene: LTBP3 (latent transforming growth factor beta binding protein 3; minus strand). Cytogenetic location: 11q13.1.
Variant type: single nucleotide variant.
Coding change: c.352A>G on transcript NM_001130144.3 (MANE Select); coding-DNA position 352, A replaced by G.
Protein change: p.Met118Val; replaces methionine 118 with valine.
Molecular consequence: missense variant. On other transcripts: initiator codon variant (1).
Genome position (GRCh38, 1-based): chr11:65,554,360, T>C on the plus strand (A>G on the coding strand, the complement: LTBP3 is on the minus strand). VCF-style: chr11-65554360-T-C. GRCh37 (hg19) VCF-style: chr11-65321831-T-C.
Other names: c.1A>G, p.Met1Val (NM_001164266.1); c.352A>G, p.Met118Val (NM_021070.4); short protein forms M118V, M1V.
Identifiers: ClinVar variation 4759610 (VCV004759610.1).